The following is an entry in ClinVar:

NM_002700.3(POU4F3):c.71T>G (p.Leu24Arg)

Genes: POU4F3 (POU class 4 homeobox 3; plus strand), LOC127814297 (RBM27-POU4F3; plus strand). Cytogenetic location: 5q32.
Variant type: single nucleotide variant.
Coding change: c.71T>G on transcript NM_002700.3 (MANE Select); coding-DNA position 71, T replaced by G.
Protein change: p.Leu24Arg; replaces leucine 24 with arginine.
Molecular consequence: missense variant.
Genome position (GRCh38, 1-based): chr5:146,339,183, T>G. VCF-style: chr5-146339183-T-G. GRCh37 (hg19) VCF-style: chr5-145718746-T-G.
Other names: short protein forms L24R.
Identifiers: ClinVar variation 1693089 (VCV001693089.2), dbSNP rs2126960909, ClinGen allele CA361619234.
Genomic context (GRCh38, chr5:146,339,183, plus strand): 5'-TGAACTCCAAGCAGCCTTTCGGCATGCACCCGGTGCTGCAAGAACCCAAATTCTCCAGTC[T>G]GCACTCTGGCTCCGAGGCCATGCGCCGAGTCTGTCTCCCAGCCCCGCAGGTACGTAGTGG-3'
Protein context (NP_002691.1, residues 14-34): PVLQEPKFSS[Leu24Arg]HSGSEAMRRV

ClinVar aggregate classification (germline): Uncertain significance (1 of 4 stars; one submission).

Submission:

GeneDx
Classification: Uncertain significance. Last evaluated: 2021-12-23. Review status: criteria provided, single submitter. Criteria: GeneDx Variant Classification Process June 2021. Collection method: clinical testing. Allele origin: germline. Affected: yes.
Comment: Not observed at significant frequency in large population cohorts (gnomAD); In silico analysis supports that this missense variant has a deleterious effect on protein structure/function; Has not been previously published as pathogenic or benign to our knowledge